The following is an entry in ClinVar:

ClinVar aggregate classification (germline): Uncertain significance (1 of 4 stars; one submission).

Conditions:
Autosomal dominant nonsyndromic hearing loss 1. Also called: KONIGSMARK SYNDROME; DEAFNESS, AUTOSOMAL DOMINANT 1, WITH OR WITHOUT THROMBOCYTOPENIA. Identifiers: Orphanet 90635, MedGen C1852282, MONDO:0007424, OMIM 124900.
Progressive microcephaly-seizures-cortical blindness-developmental delay syndrome. Also called: Seizures, cortical blindness, and microcephaly syndrome. Identifiers: Orphanet 477814, MedGen C5567650, MONDO:0014714, OMIM 616632.

gnomAD v4.1: 1 of 1,514,748 alleles (0.000066%); highest among the groups gnomAD compares: Non-Finnish European, 0.000088%; no homozygotes.

Submission:

Labcorp Genetics (formerly Invitae), Labcorp
Classification: Uncertain significance for Progressive microcephaly-seizures-cortical blindness-developmental delay syndrome; Autosomal dominant nonsyndromic hearing loss 1. Last evaluated: 2026-01-06. Review status: criteria provided, single submitter. Criteria: Invitae Variant Classification Sherloc (09022015). Collection method: clinical testing. Allele origin: germline.
Comment: This sequence change replaces glycine, which is neutral and non-polar, with arginine, which is basic and polar, at codon 9 of the DIAPH1 protein (p.Gly9Arg). This variant is not present in population databases (gnomAD no frequency). This variant has not been reported in the literature in individuals affected with DIAPH1-related conditions. Experimental studies and prediction algorithms are not available or were not evaluated, and the functional significance of this variant is currently unknown. In summary, the available evidence is currently insufficient to determine the role of this variant in disease. Therefore, it has been classified as a Variant of Uncertain Significance.

NM_005219.5(DIAPH1):c.25G>A (p.Gly9Arg)

Gene: DIAPH1 (diaphanous related formin 1; minus strand). Cytogenetic location: 5q31.3.
Variant type: single nucleotide variant.
Coding change: c.25G>A on transcript NM_005219.5 (MANE Select); coding-DNA position 25, G replaced by A.
Protein change: p.Gly9Arg; replaces glycine 9 with arginine.
Molecular consequence: missense variant.
Genome position (GRCh38, 1-based): chr5:141,618,890, C>T on the plus strand (G>A on the coding strand, the complement: DIAPH1 is on the minus strand). VCF-style: chr5-141618890-C-T. GRCh37 (hg19) VCF-style: chr5-140998457-C-T.
Other names: c.25G>A, p.Gly9Arg (NM_001079812.3, NM_001314007.2); short protein forms G9R.
Identifiers: ClinVar variation 4782408 (VCV004782408.1).
Genomic context (GRCh38, chr5:141,618,890, plus strand): 5'-CCGAGGGCAGCTCATCTGGGCTCCGGCCCTTCTTCTTGTCCCGGGTCCCGCGGCCGGGCC[C>T]CAGGCTCCCGCCGGGCGGCTCCATGTCCCGGTTCACGCTGGCCGGCGACCCCGCGCCTAC-3'
Protein context (NP_005210.3, residues 1-19): MEPPGGSL[Gly9Arg]PGRGTRDKKK